The following is an entry in ClinVar:

ClinVar aggregate classification (germline): Benign (1 of 4 stars; one submission).

Submission:

GeneDx
Classification: Benign. Last evaluated: 2018-06-14. Review status: criteria provided, single submitter. Criteria: GeneDx Variant Classification (06012015). Collection method: clinical testing. Allele origin: germline. Affected: yes.
Comment: This variant is considered likely benign or benign based on one or more of the following criteria: it is a conservative change, it occurs at a poorly conserved position in the protein, it is predicted to be benign by multiple in silico algorithms, and/or has population frequency not consistent with disease.

NM_001854.4(COL11A1):c.781-292_781-291del

Gene: COL11A1 (collagen type XI alpha 1 chain; minus strand). Cytogenetic location: 1p21.1.
Variant type: Microsatellite.
Coding change: c.781-292_781-291del on transcript NM_001854.4 (MANE Select); 292 bases into the intron before coding-DNA position 781 through 291 bases into the intron before coding-DNA position 781, 2 bases deleted (GT; older notation c.781-292_781-291delGT).
Molecular consequence: intron variant.
Genome position (GRCh38, 1-based): chr1:103,026,623-103,026,624, AC deleted on the plus strand (GT on the coding strand, the reverse complement: COL11A1 is on the minus strand); deleting any 2 consecutive bases within chr1:103,026,623-103,026,627 gives the same sequence; the c. name uses the placement nearest the transcript's 3' end. VCF-style (leftmost placement, unchanged base first): chr1-103026622-AAC-A. GRCh37 (hg19) VCF-style: chr1-103492178-AAC-A.
Other names: c.781-1011_781-1010del (NM_001190709.2); c.781-672_781-671del (NM_080629.3); c.781-292_781-291del (NM_080630.4).
Identifiers: ClinVar variation 681281 (VCV000681281.1), dbSNP rs67985164, ClinGen allele CA27713502.
Genomic context (GRCh38, chr1:103,026,622, plus strand): 5'-ACGAGAAAACAAAAAATTTGGAATAATAATTCAAACTCTTAATTATGGAATGTTAATTGA[AAC>A]ACAGTAATTATGTACTTGGACATAGATGTCAAATATTCATTAATTTTGATTTGTAAAAAT-3'